The following is an entry in ClinVar:

NM_001128126.3(AP4S1):c.306+4281A>G

Gene: AP4S1 (adaptor related protein complex 4 subunit sigma 1; plus strand). Cytogenetic location: 14q12.
Variant type: single nucleotide variant.
Coding change: c.306+4281A>G on transcript NM_001128126.3 (MANE Select); 4281 bases into the intron after coding-DNA position 306, A replaced by G.
Molecular consequence: intron variant. On other transcripts: missense variant (2), 3 prime UTR variant (1).
Genome position (GRCh38, 1-based): chr14:31,084,865, A>G. VCF-style: chr14-31084865-A-G. GRCh37 (hg19) VCF-style: chr14-31554071-A-G.
Other names: c.391A>G, p.Thr131Ala (NM_001254726.2); c.*135A>G (NM_001254727.2); c.463A>G, p.Thr155Ala (NM_007077.5); c.306+4281A>G (NM_001254729.2, NM_001254728.2); short protein forms T131A, T155A.
Identifiers: ClinVar variation 1699110 (VCV001699110.3), dbSNP rs1228214819, ClinGen allele CA389363064.
Genomic context (GRCh38, chr14:31,084,865, plus strand): 5'-CTGGAGCCCCAGCAGACTTGCTTTTCTCCAGACAGTTCATCATTCAAAGGAGCTGCCTCC[A>G]CCACCCCCATCTACTGAATAGCCAGGGGAGGGCACCAATGAACAGCACAGTATGGGAGAC-3'

ClinVar aggregate classification (germline): Uncertain significance (1 of 4 stars; one submission).

Conditions:
Hereditary spastic paraplegia 52 (SPG52). Also called: CEREBRAL PALSY, SPASTIC QUADRIPLEGIC, 6; SPASTIC PARAPLEGIA 52, AUTOSOMAL RECESSIVE. Identifiers: Orphanet 280763, MedGen C3279743, MONDO:0013552, OMIM 614067.

Allele frequency attached by ClinVar (database versions not stated): gnomAD exomes below 0.00001; gnomAD 0.00001; TOPMed 0.00001.
gnomAD v4.1: 3 of 1,614,090 alleles (0.00019%); highest among the groups gnomAD compares: Non-Finnish European, 0.00025%; no homozygotes.

Submission:

Victorian Clinical Genetics Services, Murdoch Childrens Research Institute
Classification: Uncertain significance for Hereditary spastic paraplegia 52. Last evaluated: 2020-06-11. Review status: criteria provided, single submitter. Criteria: ACMG Guidelines, 2015. Collection method: clinical testing. Allele origin: germline. Inheritance: Autosomal recessive inheritance. Affected: yes.
Comment: Based on the classification scheme VCGS_Germline_v1.1.1, this variant is classified as 3B-VUS. Following criteria are met: 0102 - Loss-of-function is a known mechanism of disease for this gene. (N) 0106 - This gene is known to be associated with autosomal recessive disease. (N) 0200 - Variant is predicted to result in a missense amino acid change from a threonine to an alanine (exon 6), however the variant is non-coding in alternative transcripts. (N) 0251 - Variant is heterozygous. (N) 0304 - Variant is present in gnomAD (v2) <0.01 for a recessive condition (1 heterozygote, 0 homozygotes). (P) 0502 - Missense variant with conflicting in silico predictions and/or uninformative conservation. (N) 0604 - Variant is not located in an established domain, motif, hotspot or informative constraint region. (N) 0705 - No comparable variants have previous evidence for pathogenicity. (N) 0807 - Variant has not previously been reported in a clinical context. (N) 0905 - No segregation evidence has been identified for this variant. (N) 1007 - No published functional evidence has been identified for this variant. (N) 1208 - Inheritance information for this variant is not currently available. (N) Legend: (P) - Pathogenic, (N) - Neutral, (B) - Benign